The following is an entry in ClinVar:

NM_001330588.2(TPP2):c.719A>C (p.Glu240Ala)

Gene: TPP2 (tripeptidyl peptidase 2; plus strand). Cytogenetic location: 13q33.1.
Variant type: single nucleotide variant.
Coding change: c.719A>C on transcript NM_001330588.2 (MANE Select); coding-DNA position 719, A replaced by C.
Protein change: p.Glu240Ala; replaces glutamic acid 240 with alanine.
Molecular consequence: missense variant. On other transcripts: non-coding transcript variant (1).
Genome position (GRCh38, 1-based): chr13:102,622,975, A>C. VCF-style: chr13-102622975-A-C. GRCh37 (hg19) VCF-style: chr13-103275325-A-C.
Other names: c.719A>C, p.Glu240Ala (NM_001367947.1, NM_003291.4); short protein forms E240A.
Identifiers: ClinVar variation 1435725 (VCV001435725.5), dbSNP rs2139462520, ClinGen allele CA388477413.

ClinVar aggregate classification (germline): Uncertain significance (1 of 4 stars; one submission).

Conditions:
Evans syndrome, immunodeficiency, and premature immunosenescence associated with tripeptidyl-peptidase II deficiency. Identifiers: MedGen CN231723. Disease mechanism: loss of function.

Allele frequency attached by ClinVar (database versions not stated): gnomAD exomes below 0.00001.
gnomAD v4.1: 1 of 1,614,114 alleles (0.000062%); highest among the groups gnomAD compares: South Asian, 0.0011%; no homozygotes.

Submission:

Labcorp Genetics (formerly Invitae), Labcorp
Classification: Uncertain significance for Evans syndrome, immunodeficiency, and premature immunosenescence associated with tripeptidyl-peptidase II deficiency. Last evaluated: 2024-10-29. Review status: criteria provided, single submitter. Criteria: Invitae Variant Classification Sherloc (09022015). Collection method: clinical testing. Allele origin: germline.
Comment: This sequence change replaces glutamic acid, which is acidic and polar, with alanine, which is neutral and non-polar, at codon 240 of the TPP2 protein (p.Glu240Ala). This variant is not present in population databases (gnomAD no frequency). This variant has not been reported in the literature in individuals affected with TPP2-related conditions. ClinVar contains an entry for this variant (Variation ID: 1435725). An algorithm developed to predict the effect of missense changes on protein structure and function (PolyPhen-2) suggests that this variant is likely to be tolerated. In summary, the available evidence is currently insufficient to determine the role of this variant in disease. Therefore, it has been classified as a Variant of Uncertain Significance.